The following is an entry in ClinVar:

NM_032119.4(ADGRV1):c.9449C>G (p.Ala3150Gly)

Gene: ADGRV1 (adhesion G protein-coupled receptor V1; plus strand). Cytogenetic location: 5q14.3.
Variant type: single nucleotide variant.
Coding change: c.9449C>G on transcript NM_032119.4 (MANE Select); coding-DNA position 9449, C replaced by G.
Protein change: p.Ala3150Gly; replaces alanine 3150 with glycine.
Molecular consequence: missense variant. On other transcripts: non-coding transcript variant (1).
Genome position (GRCh38, 1-based): chr5:90,720,049, C>G. VCF-style: chr5-90720049-C-G. GRCh37 (hg19) VCF-style: chr5-90015866-C-G.
Other names: short protein forms A3150G.
Identifiers: ClinVar variation 1974430 (VCV001974430.2), dbSNP rs775247330, ClinGen allele CA3340513.

ClinVar aggregate classification (germline): Uncertain significance (1 of 4 stars; one submission).

Allele frequency attached by ClinVar (database versions not stated): gnomAD exomes below 0.00001; TOPMed below 0.00001; ExAC 0.00001.
gnomAD v4.1: 1 of 1,612,314 alleles (0.000062%); highest among the groups gnomAD compares: African/African-American, 0.0013%; no homozygotes.

Submission:

Labcorp Genetics (formerly Invitae), Labcorp
Classification: Uncertain significance. Last evaluated: 2022-02-22. Review status: criteria provided, single submitter. Criteria: Invitae Variant Classification Sherloc (09022015). Collection method: clinical testing. Allele origin: germline.
Comment: This sequence change replaces alanine, which is neutral and non-polar, with glycine, which is neutral and non-polar, at codon 3150 of the ADGRV1 protein (p.Ala3150Gly). This variant is present in population databases (rs775247330, gnomAD 0.007%). This variant has not been reported in the literature in individuals affected with ADGRV1-related conditions. Algorithms developed to predict the effect of missense changes on protein structure and function are either unavailable or do not agree on the potential impact of this missense change (SIFT: "Tolerated"; PolyPhen-2: "Probably Damaging"; Align-GVGD: "Class C0"). In summary, the available evidence is currently insufficient to determine the role of this variant in disease. Therefore, it has been classified as a Variant of Uncertain Significance.